The following is an entry in ClinVar:

NM_014159.7(SETD2):c.6139T>C (p.Phe2047Leu)

Gene: SETD2 (SET domain containing 2, histone lysine methyltransferase; minus strand). Cytogenetic location: 3p21.31.
Variant type: single nucleotide variant.
Coding change: c.6139T>C on transcript NM_014159.7 (MANE Select); coding-DNA position 6139, T replaced by C.
Protein change: p.Phe2047Leu; replaces phenylalanine 2047 with leucine.
Molecular consequence: missense variant. On other transcripts: non-coding transcript variant (1).
Genome position (GRCh38, 1-based): chr3:47,062,317, A>G on the plus strand (T>C on the coding strand, the complement: SETD2 is on the minus strand). VCF-style: chr3-47062317-A-G. GRCh37 (hg19) VCF-style: chr3-47103807-A-G.
Other names: c.6007T>C, p.Phe2003Leu (NM_001349370.3); short protein forms F2003L, F2047L.
Identifiers: ClinVar variation 3368428 (VCV003368428.1).
Genomic context (GRCh38, chr3:47,062,317, plus strand): 5'-TGTCTGGGTCTCTCTCTCTTGACCTATTAGGAGTCTTCGGGGCAGGTGTTTGATCTCTGA[A>G]GCCAACAGCATCCCTTCCTCGTTCAGTTGCTAAGGGAAAAGGGTGGTTTGTTTGTTTTTT-3'
Protein context (NP_054878.5, residues 2037-2057): TTERGRDAVG[Phe2047Leu]RDQTPAPKTP

ClinVar aggregate classification (germline): Uncertain significance (1 of 4 stars; one submission).

Submission:

GeneDx
Classification: Uncertain significance. Last evaluated: 2024-01-28. Review status: criteria provided, single submitter. Criteria: GeneDx Variant Classification Process June 2021. Collection method: clinical testing. Allele origin: germline. Affected: yes.
Comment: Not observed at significant frequency in large population cohorts (gnomAD); In silico analysis supports that this missense variant does not alter protein structure/function; Has not been previously published as pathogenic or benign to our knowledge